The following is an entry in ClinVar:

NM_006017.3(PROM1):c.695G>T (p.Ser232Ile)

Gene: PROM1 (prominin 1; minus strand). Cytogenetic location: 4p15.32.
Variant type: single nucleotide variant.
Coding change: c.695G>T on transcript NM_006017.3 (MANE Select); coding-DNA position 695, G replaced by T.
Protein change: p.Ser232Ile; replaces serine 232 with isoleucine.
Molecular consequence: missense variant.
Genome position (GRCh38, 1-based): chr4:16,023,415, C>A on the plus strand (G>T on the coding strand, the complement: PROM1 is on the minus strand). VCF-style: chr4-16023415-C-A. GRCh37 (hg19) VCF-style: chr4-16025038-C-A.
Other names: c.668G>T, p.Ser223Ile (NM_001145847.2, NM_001145848.2, NM_001145851.2 and 4 more transcripts); c.695G>T, p.Ser232Ile (NM_001145849.2, NM_001145850.2); short protein forms S223I, S232I.
Identifiers: ClinVar variation 1317153 (VCV001317153.5), dbSNP rs370143425, ClinGen allele CA2866980.
Genomic context (GRCh38, chr4:16,023,415, plus strand): 5'-ACAGGGATGATGTTGGGTCTCAGTCGGTCAAGAATTCCGCCTCCTAGCACTGAATTGATA[C>A]CTACATGCAAATAAGCACAAAGATGGTGAGGGTGGCCTCTGCTCATCTCTCCACCCCTCC-3'
Protein context (NP_006008.1, residues 222-242): TKDKAFTDLN[Ser232Ile]INSVLGGGIL

ClinVar aggregate classification (germline): Uncertain significance. Review status: criteria provided, multiple submitters, no conflicts (2 of 4 stars). 3 submissions from 3 submitters: Uncertain significance (3). Last evaluated 2026-01-22.

Conditions:
Inborn genetic diseases. Identifiers: MedGen C0950123, MeSH D030342.

Allele frequency attached by ClinVar (database versions not stated): TOPMed 0.00001; ExAC 0.00002; ESP Exome Variant Server 0.00008.

Submissions (3):

Ambry Genetics
Classification: Uncertain significance for Inborn genetic diseases. Last evaluated: 2026-01-22. Review status: criteria provided, single submitter. Criteria: Ambry Variant Classification Scheme 2023. Collection method: clinical testing. Allele origin: germline.

Labcorp Genetics (formerly Invitae), Labcorp
Classification: Uncertain significance. Last evaluated: 2024-02-08. Review status: criteria provided, single submitter. Criteria: Invitae Variant Classification Sherloc (09022015). Collection method: clinical testing. Allele origin: germline.
Comment: This sequence change replaces serine, which is neutral and polar, with isoleucine, which is neutral and non-polar, at codon 232 of the PROM1 protein (p.Ser232Ile). This variant is not present in population databases (gnomAD no frequency). This variant has not been reported in the literature in individuals affected with PROM1-related conditions. ClinVar contains an entry for this variant (Variation ID: 1317153). An algorithm developed to predict the effect of missense changes on protein structure and function (PolyPhen-2) suggests that this variant is likely to be disruptive. In summary, the available evidence is currently insufficient to determine the role of this variant in disease. Therefore, it has been classified as a Variant of Uncertain Significance.

GeneDx
Classification: Uncertain significance. Last evaluated: 2019-07-12. Review status: criteria provided, single submitter. Criteria: GeneDx Variant Classification Process June 2021. Collection method: clinical testing. Allele origin: germline. Affected: yes.
Comment: Not observed in large population cohorts (Lek et al., 2016); In silico analysis, which includes protein predictors and evolutionary conservation, supports a deleterious effect; In-silico analysis including splice predictors is inconclusive as to whether the variant alters gene splicing. In the absence of RNA/functional studies, the actual effect of this sequence change is unknown.; Has not been previously published as pathogenic or benign to our knowledge